The following is an entry in ClinVar:

NM_006073.4(TRDN):c.1186+13A>T

Gene: TRDN (triadin; minus strand). Cytogenetic location: 6q22.31.
Variant type: single nucleotide variant.
Coding change: c.1186+13A>T on transcript NM_006073.4 (MANE Select); 13 bases into the intron after coding-DNA position 1186, A replaced by T.
Molecular consequence: intron variant.
Genome position (GRCh38, 1-based): chr6:123,381,357, T>A on the plus strand (A>T on the coding strand, the complement: TRDN is on the minus strand). VCF-style: chr6-123381357-T-A. GRCh37 (hg19) VCF-style: chr6-123702502-T-A.
Other names: c.1189+13A>T (NM_001251987.2).
Identifiers: ClinVar variation 512074 (VCV000512074.10), dbSNP rs374832854, ClinGen allele CA3984092.

ClinVar aggregate classification (germline): Likely benign. Review status: criteria provided, multiple submitters, no conflicts (2 of 4 stars). 2 submissions from 2 submitters: Likely benign (2). Last evaluated 2026-01-25.

Conditions:
Catecholaminergic polymorphic ventricular tachycardia 1. Also called: VENTRICULAR TACHYCARDIA, CATECHOLAMINERGIC POLYMORPHIC, 1, WITH OR WITHOUT ATRIAL DYSFUNCTION AND/OR DILATED CARDIOMYOPATHY; RYR2-Related Catecholaminergic Polymorphic Ventricular Tachycardia; VENTRICULAR TACHYCARDIA, STRESS-INDUCED POLYMORPHIC 1. Identifiers: Orphanet 3286, MedGen C1631597, MONDO:0011484, OMIM 604772.

Allele frequency attached by ClinVar (database versions not stated): gnomAD 0.00003; ExAC 0.00007; ESP Exome Variant Server 0.00009; TOPMed 0.00019.
gnomAD v4.1: 209 of 1,553,420 alleles (0.013%); highest among the groups gnomAD compares: Admixed American, 0.021%; no homozygotes.

Submissions (2):

Labcorp Genetics (formerly Invitae), Labcorp
Classification: Likely benign for Catecholaminergic polymorphic ventricular tachycardia 1. Last evaluated: 2026-01-25. Review status: criteria provided, single submitter. Criteria: Invitae Variant Classification Sherloc (09022015). Collection method: clinical testing. Allele origin: germline.

GeneDx
Classification: Likely benign. Last evaluated: 2017-09-14. Review status: criteria provided, single submitter. Criteria: GeneDx Variant Classification (06012015). Collection method: clinical testing. Allele origin: germline. Affected: yes.
Comment: This variant is considered likely benign or benign based on one or more of the following criteria: it is a conservative change, it occurs at a poorly conserved position in the protein, it is predicted to be benign by multiple in silico algorithms, and/or has population frequency not consistent with disease.